The following is an entry in ClinVar:

ClinVar aggregate classification (germline): Uncertain significance (1 of 4 stars; one submission).

Conditions:
Infantile neuroaxonal dystrophy (NBIA2A). Also called: NEURODEGENERATION WITH BRAIN IRON ACCUMULATION 2A; SEITELBERGER DISEASE; Infantile neuroaxonal dystrophy 1. Identifiers: Orphanet 35069, MedGen C0270724, MONDO:0024457, OMIM 256600.

Allele frequency attached by ClinVar (database versions not stated): gnomAD exomes below 0.00001; gnomAD 0.00001.

Submission:

Labcorp Genetics (formerly Invitae), Labcorp
Classification: Uncertain significance for Infantile neuroaxonal dystrophy. Last evaluated: 2022-07-19. Review status: criteria provided, single submitter. Criteria: Invitae Variant Classification Sherloc (09022015). Collection method: clinical testing. Allele origin: germline.
Comment: This sequence change replaces asparagine, which is neutral and polar, with serine, which is neutral and polar, at codon 780 of the PLA2G6 protein (p.Asn780Ser). This variant is present in population databases (no rsID available, gnomAD 0.003%). This missense change has been observed in individual(s) with Parkinson disease (PMID: 21812034). ClinVar contains an entry for this variant (Variation ID: 1400648). Advanced modeling of protein sequence and biophysical properties (such as structural, functional, and spatial information, amino acid conservation, physicochemical variation, residue mobility, and thermodynamic stability) performed at Invitae indicates that this missense variant is expected to disrupt PLA2G6 protein function. In summary, the available evidence is currently insufficient to determine the role of this variant in disease. Therefore, it has been classified as a Variant of Uncertain Significance.

Literature cited by the submitters: PubMed 21812034.

NM_003560.4(PLA2G6):c.2339A>G (p.Asn780Ser)

Gene: PLA2G6 (phospholipase A2 group VI; minus strand). Cytogenetic location: 22q13.1.
Variant type: single nucleotide variant.
Coding change: c.2339A>G on transcript NM_003560.4 (MANE Select); coding-DNA position 2339, A replaced by G.
Protein change: p.Asn780Ser; replaces asparagine 780 with serine.
Molecular consequence: missense variant.
Genome position (GRCh38, 1-based): chr22:38,112,243, T>C on the plus strand (A>G on the coding strand, the complement: PLA2G6 is on the minus strand). VCF-style: chr22-38112243-T-C. GRCh37 (hg19) VCF-style: chr22-38508250-T-C.
Other names: c.1661A>G, p.Asn554Ser (NM_001349868.2); c.1643A>G, p.Asn548Ser (NM_001349869.2); c.2177A>G, p.Asn726Ser (NM_001004426.3, NM_001199562.3, NM_001349865.2 and 1 more transcripts); c.2339A>G, p.Asn780Ser (NM_001349864.2); c.1805A>G, p.Asn602Ser (NM_001349867.2); short protein forms N548S, N554S, N780S, N726S, N602S.
Identifiers: ClinVar variation 1400648 (VCV001400648.6), dbSNP rs1171614044, ClinGen allele CA411523134.